The following is an entry in ClinVar:

ClinVar aggregate classification (germline): Conflicting classifications of pathogenicity. Review status: criteria provided, conflicting classifications (1 of 4 stars). 4 submissions from 4 submitters: Pathogenic (1); Likely pathogenic (1); Uncertain significance (2). Last evaluated 2026-04-11.

Conditions:
Possible mitochondrial disorder - nuclear genes.
HARS1-related disorder. Also called: HARS1-related condition.

Submissions (4):

PreventionGenetics, part of Exact Sciences
Classification: Uncertain significance for HARS1-related condition. Last evaluated: 2026-04-11. Review status: criteria provided, single submitter. Criteria: ACMG Guidelines, 2015. Collection method: clinical testing. Allele origin: germline.
Comment: The HARS1 c.-411delG variant is located in the 5' untranslated region. This variant was reported in compound heterozygous state in an individual with sensorineural hearing loss (Family 2, Table 1, Demain et al. 2019. PubMed ID: 31827252). This variant is reported in 0.0% of alleles in individuals of African descent in gnomAD. Although we suspect that this variant may be pathogenic, at this time, the clinical significance of this variant is uncertain due to the absence of conclusive functional and genetic evidence.

GeneDx
Classification: Likely pathogenic. Last evaluated: 2026-03-13. Review status: criteria provided, single submitter. Criteria: GeneDx Variant Classification Process June 2021. Collection method: clinical testing. Allele origin: germline.
Comment: Frameshift variant predicted to result in protein truncation or nonsense mediated decay in a gene for which loss of function is a known mechanism of disease; Not observed at significant frequency in large population cohorts (gnomAD); Has not been previously published as pathogenic or benign to our knowledge

Genetics Laboratory, Great Ormond Street Hospital NHS Foundation Trust, North Thames Genomic Laboratory Hub
Classification: Uncertain significance for Possible mitochondrial disorder - nuclear genes. Last evaluated: 2026-02-05. Review status: criteria provided, single submitter. Criteria: ACGS Best Practice Guidelines for Variant Classification in Rare Disease 2024 v1.2. Collection method: clinical testing. Allele origin: germline. Affected: yes.
Comment: PM2_moderate, PVS1_moderate

Labcorp Genetics (formerly Invitae), Labcorp
Classification: Pathogenic. Last evaluated: 2023-10-05. Review status: criteria provided, single submitter. Criteria: Invitae Variant Classification Sherloc (09022015). Collection method: clinical testing. Allele origin: germline.
Comment: This sequence change creates a premature translational stop signal (p.Cys24Alafs*19) in the HARS2 gene. It is expected to result in an absent or disrupted protein product. Loss-of-function variants in HARS2 are known to be pathogenic (PMID: 31827252). This variant is not present in population databases (gnomAD no frequency). This variant has not been reported in the literature in individuals affected with HARS2-related conditions. ClinVar contains an entry for this variant (Variation ID: 2067878). For these reasons, this variant has been classified as Pathogenic.

Literature cited by the submitters: PubMed 31827252 (cited by Labcorp Genetics (formerly Invitae), Labcorp).

NM_012208.4(HARS2):c.69del (p.Cys24fs)

Genes: HARS1 (histidyl-tRNA synthetase 1; minus strand), HARS2 (histidyl-tRNA synthetase 2, mitochondrial; plus strand), LOC119407423 (HARS1 and HARS2 bidirectional promoter region; plus strand). Cytogenetic location: 5q31.3.
Variant type: Deletion.
Coding change: c.69del on transcript NM_012208.4 (MANE Select); coding-DNA position 69, one base deleted (C; older notation c.69delC).
Protein change: p.Cys24fs; shifts the reading frame from cysteine 24.
Molecular consequence: frameshift variant. On other transcripts: 5 prime UTR variant (1), intron variant (1).
Genome position (GRCh38, 1-based): chr5:140,691,717, C deleted; the last of 3 consecutive C bases (chr5:140,691,715-140,691,717); deleting any one gives the same sequence. VCF-style (leftmost placement, unchanged base first): chr5-140691714-GC-G. GRCh37 (hg19) VCF-style: chr5-140071299-GC-G.
Other names: c.69del, p.Cys24fs (NM_001278731.2, NM_001363535.2); c.-242del (NM_001278732.2); c.-325-78del (NM_001363536.2); short protein forms C24fs.
Identifiers: ClinVar variation 2067878 (VCV002067878.8), dbSNP rs761489812, ClinGen allele CA3444272.